The following is an entry in ClinVar:

NM_001379029.1(CERT1):c.-287C>T

Genes: CERT1 (ceramide transporter 1; minus strand), POLK (DNA polymerase kappa; plus strand). Cytogenetic location: 5q13.3.
Variant type: single nucleotide variant.
Coding change: c.-287C>T on transcript NM_001379029.1 (MANE Select); 287 bases upstream of the start codon, C replaced by T.
Molecular consequence: 5 prime UTR variant. On other transcripts: missense variant (1).
Genome position (GRCh38, 1-based): chr5:75,511,494, G>A on the plus strand (C>T on the coding strand, the complement: CERT1 is on the minus strand). VCF-style: chr5-75511494-G-A. GRCh37 (hg19) VCF-style: chr5-74807319-G-A.
Other names: c.98C>T, p.Ser33Leu (NM_001130105.1); c.-287C>T (NM_001379002.1, NM_001379003.1, NM_001379004.1 and 2 more transcripts); short protein forms S33L.
Identifiers: ClinVar variation 2413112 (VCV002413112.4), dbSNP rs2479448908, ClinGen allele CA360140742.

ClinVar aggregate classification (germline): Uncertain significance (1 of 4 stars; one submission).

gnomAD v4.1: 1 of 1,493,138 alleles (0.000067%); highest among the groups gnomAD compares: East Asian, 0.0025%; no homozygotes.

Submission:

GeneDx
Classification: Uncertain significance. Last evaluated: 2022-07-26. Review status: criteria provided, single submitter. Criteria: GeneDx Variant Classification Process June 2021. Collection method: clinical testing. Allele origin: germline. Affected: yes.
Comment: Not observed at significant frequency in large population cohorts (gnomAD); In silico analysis supports that this missense variant does not alter protein structure/function; Has not been previously published as pathogenic or benign to our knowledge